The following is an entry in ClinVar:

NM_001134831.2(AHI1):c.1987T>C (p.Ser663Pro)

Gene: AHI1 (Abelson helper integration site 1; minus strand). Cytogenetic location: 6q23.3.
Variant type: single nucleotide variant.
Coding change: c.1987T>C on transcript NM_001134831.2 (MANE Select); coding-DNA position 1987, T replaced by C.
Protein change: p.Ser663Pro; replaces serine 663 with proline.
Molecular consequence: missense variant.
Genome position (GRCh38, 1-based): chr6:135,438,424, A>G on the plus strand (T>C on the coding strand, the complement: AHI1 is on the minus strand). VCF-style: chr6-135438424-A-G. GRCh37 (hg19) VCF-style: chr6-135759562-A-G.
Other names: c.1987T>C, p.Ser663Pro (NM_001134830.2, NM_001134832.2, NM_001350503.2 and 2 more transcripts); short protein forms S663P.
Identifiers: ClinVar variation 2092205 (VCV002092205.4), dbSNP rs2484675639, ClinGen allele CA365744230.

ClinVar aggregate classification (germline): Uncertain significance (1 of 4 stars; one submission).

Conditions:
Joubert syndrome. Also called: CEREBELLOPARENCHYMAL DISORDER IV; JOUBERT-BOLTSHAUSER SYNDROME; Familial aplasia of the vermis. Identifiers: Orphanet 475, MedGen C5979921, MONDO:0018772.

Submission:

Labcorp Genetics (formerly Invitae), Labcorp
Classification: Uncertain significance for Joubert syndrome. Last evaluated: 2022-11-01. Review status: criteria provided, single submitter. Criteria: Invitae Variant Classification Sherloc (09022015). Collection method: clinical testing. Allele origin: germline.
Comment: In summary, the available evidence is currently insufficient to determine the role of this variant in disease. Therefore, it has been classified as a Variant of Uncertain Significance. Advanced modeling of protein sequence and biophysical properties (such as structural, functional, and spatial information, amino acid conservation, physicochemical variation, residue mobility, and thermodynamic stability) performed at Invitae indicates that this missense variant is expected to disrupt AHI1 protein function. This variant has not been reported in the literature in individuals affected with AHI1-related conditions. This variant is not present in population databases (gnomAD no frequency). This sequence change replaces serine, which is neutral and polar, with proline, which is neutral and non-polar, at codon 663 of the AHI1 protein (p.Ser663Pro).